The following is an entry in ClinVar:

NM_000246.4(CIITA):c.566C>T (p.Ala189Val)

Gene: CIITA (class II major histocompatibility complex transactivator; plus strand). Cytogenetic location: 16p13.13.
Variant type: single nucleotide variant.
Coding change: c.566C>T on transcript NM_000246.4 (MANE Select); coding-DNA position 566, C replaced by T.
Protein change: p.Ala189Val; replaces alanine 189 with valine.
Molecular consequence: missense variant. On other transcripts: non-coding transcript variant (1), intron variant (3).
Genome position (GRCh38, 1-based): chr16:10,902,122, C>T. VCF-style: chr16-10902122-C-T. GRCh37 (hg19) VCF-style: chr16-10995979-C-T.
Other names: c.569C>T, p.Ala190Val (NM_001286402.1, NM_001379332.1); c.566C>T, p.Ala189Val (NM_001379333.1); c.497C>T, p.Ala166Val (NM_001379334.1); c.485-536C>T (NM_001379330.1); c.482-536C>T (NM_001379331.1, NM_001286403.2); short protein forms A189V, A190V, A166V.
Identifiers: ClinVar variation 568042 (VCV000568042.10), dbSNP rs149076617, ClinGen allele CA7899810.

ClinVar aggregate classification (germline): Uncertain significance. Review status: criteria provided, single submitter (1 of 4 stars). 2 submissions from 2 submitters: Uncertain significance (1). 1 of the submissions does not count toward it. Last evaluated 2022-03-19.

Conditions:
MHC class II deficiency. Also called: Bare lymphocyte syndrome 2; BLS, TYPE II. Identifiers: Orphanet 572, MedGen C5447452, MONDO:0008855.

Allele frequency attached by ClinVar (database versions not stated): ExAC 0.00001; gnomAD 0.00001; gnomAD exomes 0.00001 and 0.00002; TOPMed 0.00002; ESP Exome Variant Server 0.00008.
gnomAD v4.1: 10 of 1,614,080 alleles (0.00062%); highest among the groups gnomAD compares: African/African-American, 0.004%; no homozygotes.

Submissions (2):

Labcorp Genetics (formerly Invitae), Labcorp
Classification: Uncertain significance for MHC class II deficiency. Last evaluated: 2022-03-19. Review status: criteria provided, single submitter. Criteria: Invitae Variant Classification Sherloc (09022015). Collection method: clinical testing. Allele origin: germline.
Comment: This sequence change replaces alanine, which is neutral and non-polar, with valine, which is neutral and non-polar, at codon 189 of the CIITA protein (p.Ala189Val). This variant is present in population databases (rs149076617, gnomAD 0.005%). This variant has not been reported in the literature in individuals affected with CIITA-related conditions. ClinVar contains an entry for this variant (Variation ID: 568042). Algorithms developed to predict the effect of missense changes on protein structure and function (SIFT, PolyPhen-2, Align-GVGD) all suggest that this variant is likely to be tolerated. In summary, the available evidence is currently insufficient to determine the role of this variant in disease. Therefore, it has been classified as a Variant of Uncertain Significance.

Natera, Inc.
Classification: Uncertain significance for Bare lymphocyte syndrome type II. Last evaluated: 2019-10-28. Review status: no assertion criteria provided. Collection method: clinical testing. Allele origin: germline. Not counted in ClinVar's aggregate classification.